The following is an entry in ClinVar:

NM_001165963.4(SCN1A):c.2078G>A (p.Arg693Lys)

Gene: SCN1A (sodium voltage-gated channel alpha subunit 1; minus strand). Cytogenetic location: 2q24.3.
Variant type: single nucleotide variant.
Coding change: c.2078G>A on transcript NM_001165963.4 (MANE Select); coding-DNA position 2078, G replaced by A.
Protein change: p.Arg693Lys; replaces arginine 693 with lysine.
Molecular consequence: missense variant. On other transcripts: 5 prime UTR variant (1), non-coding transcript variant (1).
Genome position (GRCh38, 1-based): chr2:166,042,390, C>T on the plus strand (G>A on the coding strand, the complement: SCN1A is on the minus strand). VCF-style: chr2-166042390-C-T. GRCh37 (hg19) VCF-style: chr2-166898900-C-T.
Other names: c.1994G>A, p.Arg665Lys (NM_001165964.3, NM_001353957.2, NM_001353958.2); c.2078G>A, p.Arg693Lys (NM_001202435.3, NM_001353948.2); c.2045G>A, p.Arg682Lys (NM_001353949.2, NM_001353950.2, NM_001353951.2 and 2 more transcripts); c.2042G>A, p.Arg681Lys (NM_001353954.2, NM_001353955.2); c.1991G>A, p.Arg664Lys (NM_001353960.2); c.-381G>A (NM_001353961.2); c.2078G>A (NM_001165963.1); short protein forms R664K, R665K, R681K, R682K, R693K.
Identifiers: ClinVar variation 2435673 (VCV002435673.7), dbSNP rs750260160, ClinGen allele CA1943193.
Genomic context (GRCh38, chr2:166,042,390, plus strand): 5'-GCTCGTTGCCTTTGGGAAGGATCTTCTAGAAAGTCCATGGAAACGTGGAAAGAACTTGAC[C>T]TTCTCTTTCTCATTTCAGTTTCAGTGGTTGTTCCCTGTAAAAAAAAATGCTAATGCATTA-3'
Protein context (NP_001159435.1, residues 683-703): TTTETEMRKR[Arg693Lys]SSSFHVSMDF

ClinVar aggregate classification (germline): Conflicting classifications of pathogenicity. Review status: criteria provided, conflicting classifications (1 of 4 stars). 3 submissions from 3 submitters: Uncertain significance (2); Likely benign (1). Last evaluated 2026-04-09.

Conditions:
Early-infantile DEE. Also called: Early infantile epileptic encephalopathy; Ohtahara syndrome; Early infantile epileptic encephalopathy with suppression bursts. Identifiers: Orphanet 1934, MedGen C0393706, MONDO:0800491.

gnomAD v4.1: 5 of 1,613,788 alleles (0.00031%); highest among the groups gnomAD compares: South Asian, 0.0055%; no homozygotes.

Submissions (3):

GeneDx
Classification: Uncertain significance. Last evaluated: 2026-04-09. Review status: criteria provided, single submitter. Criteria: GeneDx Variant Classification Process June 2021. Collection method: clinical testing. Allele origin: germline.
Comment: Not observed at significant frequency in large population cohorts (gnomAD); In silico analysis suggests that this missense variant does not alter protein structure/function; Has not been previously published as pathogenic or benign to our knowledge; This substitution is predicted to be within the cytoplasmic loop between the first and second homologous domains

Labcorp Genetics (formerly Invitae), Labcorp
Classification: Likely benign for Early-infantile DEE. Last evaluated: 2025-03-15. Review status: criteria provided, single submitter. Criteria: Invitae Variant Classification Sherloc (09022015). Collection method: clinical testing. Allele origin: germline.

Revvity Omics, Revvity
Classification: Uncertain significance. Last evaluated: 2021-04-09. Review status: criteria provided, single submitter. Criteria: ACMG Guidelines, 2015. Collection method: clinical testing. Allele origin: germline.